The following is an entry in ClinVar:

NM_000497.4(CYP11B1):c.1358G>A (p.Arg453Gln)

Genes: CYP11B1 (cytochrome P450 family 11 subfamily B member 1; minus strand), LOC106799833 (CYP11B1 recombination region; plus strand). Cytogenetic location: 8q24.3.
Variant type: single nucleotide variant.
Coding change: c.1358G>A on transcript NM_000497.4 (MANE Select); coding-DNA position 1358, G replaced by A.
Protein change: p.Arg453Gln; replaces arginine 453 with glutamine.
Molecular consequence: missense variant. On other transcripts: intron variant (1).
Genome position (GRCh38, 1-based): chr8:142,874,997, C>T on the plus strand (G>A on the coding strand, the complement: CYP11B1 is on the minus strand). VCF-style: chr8-142874997-C-T. GRCh37 (hg19) VCF-style: chr8-143956413-C-T.
Other names: c.1200+237G>A (NM_001026213.1); short protein forms R453Q.
Identifiers: ClinVar variation 857403 (VCV000857403.14), dbSNP rs1447069098, ClinGen allele CA372391389.

ClinVar aggregate classification (germline): Pathogenic. Review status: criteria provided, multiple submitters, no conflicts (2 of 4 stars). 5 submissions from 5 submitters: Pathogenic (5). Last evaluated 2024-03-18.

Conditions:
Congenital adrenal hyperplasia. Identifiers: Orphanet 418, MedGen C0001627, MONDO:0018479, HP:0008258.
Deficiency of steroid 11-beta-monooxygenase (CYP11B1). Also called: ADRENAL HYPERPLASIA IV; STEROID 11-BETA-HYDROXYLASE DEFICIENCY; ADRENAL HYPERPLASIA, CONGENITAL, DUE TO STEROID 11-BETA-HYDROXYLASE DEFICIENCY; 11-BETA-HYDROXYLASE DEFICIENCY; Congenital adrenal hyperplasia due to 11-beta-hydroxylase deficiency; P450C11B1 DEFICIENCY. Identifiers: Orphanet 90795, MedGen C0268292, MONDO:0008729, OMIM 202010. Disease mechanism: loss of function.
Glucocorticoid-remediable aldosteronism. Also called: ACTH-DEPENDENT HYPERALDOSTERONISM SYNDROME; ALDOSTERONISM, SENSITIVE TO DEXAMETHASONE; Hyperaldosteronism, familial, type I; FH I; GLUCOCORTICOID-SUPPRESSIBLE HYPERALDOSTERONISM. Identifiers: Orphanet 403, MedGen C3838731, MONDO:0007080, OMIM 103900.
Multiple congenital anomalies/dysmorphic syndrome-intellectual disability. Identifiers: Orphanet 102283, MedGen C5680372, MONDO:0015159.

Allele frequency attached by ClinVar (database versions not stated): gnomAD exomes below 0.00001.
gnomAD v4.1: 6 of 1,614,178 alleles (0.00037%); highest among the groups gnomAD compares: African/African-American, 0.0027%; no homozygotes.

Submissions (5):

Baylor Genetics
Classification: Pathogenic for Deficiency of steroid 11-beta-monooxygenase. Last evaluated: 2024-03-18. Review status: criteria provided, single submitter. Criteria: ACMG Guidelines, 2015. Collection method: clinical testing. Allele origin: unknown.

Labcorp Genetics (formerly Invitae), Labcorp
Classification: Pathogenic. Last evaluated: 2023-11-08. Review status: criteria provided, single submitter. Criteria: Invitae Variant Classification Sherloc (09022015). Collection method: clinical testing. Allele origin: germline.
Comment: This sequence change replaces arginine, which is basic and polar, with glutamine, which is neutral and polar, at codon 453 of the CYP11B1 protein (p.Arg453Gln). This variant is present in population databases (no rsID available, gnomAD 0.01%). This missense change has been observed in individual(s) with autosomal recessive CYP11B1-related conditions (PMID: 19844114, 22333028, 28514642, 30223866). In at least one individual the data is consistent with being in trans (on the opposite chromosome) from a pathogenic variant. ClinVar contains an entry for this variant (Variation ID: 857403). Advanced modeling of protein sequence and biophysical properties (such as structural, functional, and spatial information, amino acid conservation, physicochemical variation, residue mobility, and thermodynamic stability) performed at Invitae indicates that this missense variant is expected to disrupt CYP11B1 protein function with a positive predictive value of 95%. Experimental studies have shown that this missense change affects CYP11B1 function (PMID: 19844114). For these reasons, this variant has been classified as Pathogenic.

Women's Health and Genetics/Laboratory Corporation of America, LabCorp
Classification: Pathogenic for Congenital adrenal hyperplasia. Last evaluated: 2022-08-15. Review status: criteria provided, single submitter. Criteria: LabCorp Variant Classification Summary - May 2015. Collection method: clinical testing. Allele origin: germline.
Comment: Variant summary: CYP11B1 c.1358G>A (p.Arg453Gln) results in a conservative amino acid change in the encoded protein sequence. Three of five in-silico tools predict a benign effect of the variant on protein function. The variant allele was found at a frequency of 4e-06 in 251264 control chromosomes (gnomAD). c.1358G>A has been reported in the literature as a biallelic genotype in multiple individuals affected with Congenital Adrenal Hyperplasia due to 11-beta-Hydroxylase Deficiency (e.g. Krone_2009, Zhang_2013, Gu_2017, Wang_2018). These data indicate that the variant is very likely to be associated with disease. When the variant was transfected into COS-7 cells and assayed for enzymatic activity, Krone_2009 report that the variant had ~1% activity compared to wild-type. One ClinVar submitter has assessed the variant since 2014: the variant was classified as pathogenic. Based on the evidence outlined above, the variant was classified as pathogenic.

Fulgent Genetics
Classification: Pathogenic for Glucocorticoid-remediable aldosteronism; Deficiency of steroid 11-beta-monooxygenase. Last evaluated: 2022-03-12. Review status: criteria provided, single submitter. Criteria: ACMG Guidelines, 2015. Collection method: clinical testing. Allele origin: unknown.

AURAGEN, Plan France Médecine Génomique
Classification: Pathogenic for Multiple congenital anomalies/dysmorphic syndrome-intellectual disability. Last evaluated: 2021-09-20. Review status: criteria provided, single submitter. Criteria: PFMG2025 (Lancet Reg Health Eur. 2025). Collection method: clinical testing. Allele origin: germline. Affected: yes.

Literature cited by the submitters: PubMed 19844114 (cited by Labcorp Genetics (formerly Invitae), Labcorp and Women's Health and Genetics/Laboratory Corporation of America, LabCorp); PubMed 22333028 (cited by Labcorp Genetics (formerly Invitae), Labcorp); PubMed 28514642 (cited by Labcorp Genetics (formerly Invitae), Labcorp and Women's Health and Genetics/Laboratory Corporation of America, LabCorp); PubMed 30223866 (cited by Labcorp Genetics (formerly Invitae), Labcorp and Women's Health and Genetics/Laboratory Corporation of America, LabCorp); PubMed 22964742 (cited by Women's Health and Genetics/Laboratory Corporation of America, LabCorp).